The following is an entry in ClinVar:

ClinVar aggregate classification (germline): Benign/Likely benign. Review status: criteria provided, multiple submitters, no conflicts (2 of 4 stars). 2 submissions from 2 submitters: Benign (1); Likely benign (1). Last evaluated 2018-01-13.

Conditions:
Niemann-Pick disease, type C1. Also called: NIEMANN-PICK DISEASE, VARIANT TYPE C1; NEUROVISCERAL STORAGE DISEASE WITH VERTICAL SUPRANUCLEAR OPHTHALMOPLEGIA; NIEMANN-PICK DISEASE WITH CHOLESTEROL ESTERIFICATION BLOCK; NIEMANN-PICK DISEASE WITHOUT SPHINGOMYELINASE DEFICIENCY; NIEMANN-PICK DISEASE, CHRONIC NEURONOPATHIC FORM. Identifiers: Orphanet 646, MedGen C3179455, MONDO:0009757, OMIM 257220.

Allele frequency attached by ClinVar (database versions not stated): gnomAD exomes 0.00076 and 0.00161; ExAC 0.00136; gnomAD 0.00816 and 0.00885; TOPMed 0.00898; 1000 Genomes Project 0.01018; 1000 Genomes Project 30x 0.01093.
gnomAD v4.1: 2,347 of 1,531,228 alleles (0.15%); highest among the groups gnomAD compares: African/African-American, 2.9%; 23 homozygotes.

Submissions (2):

Illumina Laboratory Services, Illumina
Classification: Benign for Niemann-Pick disease type C1. Last evaluated: 2018-01-13. Review status: criteria provided, single submitter. Criteria: ICSL Variant Classification Criteria 13 December 2019. Collection method: clinical testing. Allele origin: germline.
Comment: This variant was observed in the ICSL laboratory as part of a predisposition screen in an ostensibly healthy population. It had not been previously curated by ICSL or reported in the Human Gene Mutation Database (HGMD: prior to June 1st, 2018), and was therefore a candidate for classification through an automated scoring system. Utilizing variant allele frequency, disease prevalence and penetrance estimates, and inheritance mode, an automated score was calculated to assess if this variant is too frequent to cause the disease. Based on the score and internal cut-off values, a variant classified as benign is not then subjected to further curation. The score for this variant resulted in a classification of benign for this disease.

GeneDx
Classification: Likely benign. Last evaluated: 2016-06-08. Review status: criteria provided, single submitter. Criteria: GeneDx Variant Classification (06012015). Collection method: clinical testing. Allele origin: germline. Affected: yes.
Comment: This variant is considered likely benign or benign based on one or more of the following criteria: it is a conservative change, it occurs at a poorly conserved position in the protein, it is predicted to be benign by multiple in silico algorithms, and/or has population frequency not consistent with disease.

NM_000271.5(NPC1):c.-32C>T

Gene: NPC1 (NPC intracellular cholesterol transporter 1; minus strand). Cytogenetic location: 18q11.2.
Variant type: single nucleotide variant.
Coding change: c.-32C>T on transcript NM_000271.5 (MANE Select); 32 bases upstream of the start codon, C replaced by T.
Molecular consequence: 5 prime UTR variant.
Genome position (GRCh38, 1-based): chr18:23,586,375, G>A on the plus strand (C>T on the coding strand, the complement: NPC1 is on the minus strand). VCF-style: chr18-23586375-G-A. GRCh37 (hg19) VCF-style: chr18-21166339-G-A.
Identifiers: ClinVar variation 326283 (VCV000326283.5), dbSNP rs114070977, ClinGen allele CA8913849.